The following is an entry in ClinVar:

NM_001111125.3(IQSEC2):c.331G>A (p.Ala111Thr)

Gene: IQSEC2 (IQ motif and Sec7 domain ArfGEF 2; minus strand). Cytogenetic location: Xp11.22.
Variant type: single nucleotide variant.
Coding change: c.331G>A on transcript NM_001111125.3 (MANE Select); coding-DNA position 331, G replaced by A.
Protein change: p.Ala111Thr; replaces alanine 111 with threonine.
Molecular consequence: missense variant.
Genome position (GRCh38, 1-based): chrX:53,320,793, C>T on the plus strand (G>A on the coding strand, the complement: IQSEC2 is on the minus strand). VCF-style: chrX-53320793-C-T. GRCh37 (hg19) VCF-style: chrX-53349991-C-T.
Other names: c.331G>A, p.Ala111Thr (NM_001410736.1); short protein forms A111T.
Identifiers: ClinVar variation 3342666 (VCV003342666.1).

ClinVar aggregate classification (germline): Uncertain significance (1 of 4 stars; one submission).

Submission:

GeneDx
Classification: Uncertain significance. Last evaluated: 2023-08-26. Review status: criteria provided, single submitter. Criteria: GeneDx Variant Classification Process June 2021. Collection method: clinical testing. Allele origin: germline. Affected: yes.
Comment: Has not been previously published as pathogenic or benign to our knowledge; Not observed at significant frequency in large population cohorts (gnomAD); In silico analysis supports that this missense variant does not alter protein structure/function